The following is an entry in ClinVar:

ClinVar aggregate classification (germline): Uncertain significance. Review status: criteria provided, multiple submitters, no conflicts (2 of 4 stars). 3 submissions from 3 submitters: Uncertain significance (3). Last evaluated 2024-11-10.

Conditions:
Inborn genetic diseases. Identifiers: MedGen C0950123, MeSH D030342.

Allele frequency attached by ClinVar (database versions not stated): gnomAD exomes below 0.00001.
gnomAD v4.1: 3 of 1,614,196 alleles (0.00019%); highest among the groups gnomAD compares: South Asian, 0.0011%; no homozygotes.

Submissions (3):

Ambry Genetics
Classification: Uncertain significance for Inborn genetic diseases. Last evaluated: 2024-11-10. Review status: criteria provided, single submitter. Criteria: Ambry Variant Classification Scheme 2023. Collection method: clinical testing. Allele origin: germline.

Labcorp Genetics (formerly Invitae), Labcorp
Classification: Uncertain significance. Last evaluated: 2023-10-22. Review status: criteria provided, single submitter. Criteria: Invitae Variant Classification Sherloc (09022015). Collection method: clinical testing. Allele origin: germline.
Comment: This sequence change replaces tyrosine, which is neutral and polar, with cysteine, which is neutral and slightly polar, at codon 958 of the TRRAP protein (p.Tyr958Cys). This variant is not present in population databases (gnomAD no frequency). This variant has not been reported in the literature in individuals affected with TRRAP-related conditions. ClinVar contains an entry for this variant (Variation ID: 1695877). Advanced modeling of protein sequence and biophysical properties (such as structural, functional, and spatial information, amino acid conservation, physicochemical variation, residue mobility, and thermodynamic stability) performed at Invitae indicates that this missense variant is expected to disrupt TRRAP protein function. In summary, the available evidence is currently insufficient to determine the role of this variant in disease. Therefore, it has been classified as a Variant of Uncertain Significance.

GeneDx
Classification: Uncertain significance. Last evaluated: 2023-05-04. Review status: criteria provided, single submitter. Criteria: GeneDx Variant Classification Process June 2021. Collection method: clinical testing. Allele origin: germline. Affected: yes.
Comment: Not observed at significant frequency in large population cohorts (gnomAD); In silico analysis supports that this missense variant has a deleterious effect on protein structure/function; Has not been previously published as pathogenic or benign to our knowledge

NM_001375524.1(TRRAP):c.2873A>G (p.Tyr958Cys)

Gene: TRRAP (transformation/transcription domain associated protein; plus strand). Cytogenetic location: 7q22.1.
Variant type: single nucleotide variant.
Coding change: c.2873A>G on transcript NM_001375524.1 (MANE Select); coding-DNA position 2873, A replaced by G.
Protein change: p.Tyr958Cys; replaces tyrosine 958 with cysteine.
Molecular consequence: missense variant.
Genome position (GRCh38, 1-based): chr7:98,925,161, A>G. VCF-style: chr7-98925161-A-G. GRCh37 (hg19) VCF-style: chr7-98522784-A-G.
Other names: c.2873A>G, p.Tyr958Cys (NM_001244580.2, NM_003496.4); c.2873A>G (NM_001244580.1); short protein forms Y958C.
Identifiers: ClinVar variation 1695877 (VCV001695877.7), dbSNP rs1789990474, ClinGen allele CA368294968.
Genomic context (GRCh38, chr7:98,925,161, plus strand): 5'-CTTGGTTGTAGGCCATTGAAACTGCTCTGGACTGCCTGAAAAGCGCCAACACTGAGCCCT[A>G]CTACCGGAGGCAGGCGTGGGAAGTGATCAAATGCTTCCTGGTGGCCATGATGAGCCTGGA-3'
Protein context (NP_001362453.1, residues 948-968): DCLKSANTEP[Tyr958Cys]YRRQAWEVIK